The following is an entry in ClinVar:

NM_017617.5(NOTCH1):c.3424T>C (p.Cys1142Arg)

Gene: NOTCH1 (notch receptor 1; minus strand). Cytogenetic location: 9q34.3.
Variant type: single nucleotide variant.
Coding change: c.3424T>C on transcript NM_017617.5 (MANE Select); coding-DNA position 3424, T replaced by C.
Protein change: p.Cys1142Arg; replaces cysteine 1142 with arginine.
Molecular consequence: missense variant.
Genome position (GRCh38, 1-based): chr9:136,508,041, A>G on the plus strand (T>C on the coding strand, the complement: NOTCH1 is on the minus strand). VCF-style: chr9-136508041-A-G. GRCh37 (hg19) VCF-style: chr9-139402493-A-G.
Other names: short protein forms C1142R.
Identifiers: ClinVar variation 2629944 (VCV002629944.1), dbSNP rs2540442355, ClinGen allele CA375551200.

ClinVar aggregate classification (germline): Uncertain significance (1 of 4 stars; one submission).

Conditions:
NOTCH1-related disorder. Also called: NOTCH1-related disorders; NOTCH1-related condition.

Submission:

PreventionGenetics, part of Exact Sciences
Classification: Uncertain significance for NOTCH1-related condition. Last evaluated: 2022-12-15. Review status: criteria provided, single submitter. Criteria: ACMG Guidelines, 2015. Collection method: clinical testing. Allele origin: germline.
Comment: The NOTCH1 c.3424T>C variant is predicted to result in the amino acid substitution p.Cys1142Arg. To our knowledge, this variant has not been reported in the literature or in a large population database, indicating this variant is rare. At this time, the clinical significance of this variant is uncertain due to the absence of conclusive functional and genetic evidence.